The following is an entry in ClinVar:

NM_005359.6(SMAD4):c.693C>A (p.Gly231=)

Gene: SMAD4 (SMAD family member 4; plus strand). Cytogenetic location: 18q21.2.
Variant type: single nucleotide variant.
Coding change: c.693C>A on transcript NM_005359.6 (MANE Select); coding-DNA position 693, C replaced by A.
Protein change: p.Gly231=; no amino-acid change (glycine 231 retained).
Molecular consequence: synonymous variant. On other transcripts: non-coding transcript variant (2).
Genome position (GRCh38, 1-based): chr18:51,058,150, C>A. VCF-style: chr18-51058150-C-A. GRCh37 (hg19) VCF-style: chr18-48584520-C-A.
Other names: c.693C>A, p.Gly231= (NM_001407041.1, NM_001407042.1, NM_001407043.1).
Identifiers: ClinVar variation 2810865 (VCV002810865.26), dbSNP rs765597059, ClinGen allele CA503993820.
Genomic context (GRCh38, chr18:51,058,150, plus strand): 5'-GAATGTACCATGTTAATGTCTTCTTGTTCCTCTAGGTCAGCCTGCCAGTATACTGGGGGG[C>A]AGCCATAGTGAAGGACTGTTGCAGATAGCATCAGGGCCTCAGCCAGGACAGCAGCAGAAT-3'
Protein context (NP_005350.1, residues 221-241): STSQPASILG[Gly231=]SHSEGLLQIA

ClinVar aggregate classification (germline): Benign/Likely benign. Review status: criteria provided, multiple submitters, no conflicts (2 of 4 stars). 4 submissions from 4 submitters: Benign (1); Likely benign (3). Last evaluated 2025-04-03.

Conditions:
Familial thoracic aortic aneurysm and aortic dissection (TAAD). Also called: Thoracic aortic aneurysms and dissections. Identifiers: Orphanet 91387, MedGen C4707243, MONDO:0019625.
Hereditary cancer-predisposing syndrome. Also called: Hereditary Cancer Syndrome; Hereditary neoplastic syndrome; Neoplastic Syndromes, Hereditary; Tumor predisposition. Identifiers: Orphanet 140162, MedGen C0027672, MeSH D009386, MONDO:0015356.
Juvenile polyposis syndrome (JPS). Identifiers: Orphanet 2929, MedGen C0345893, MONDO:0017380, OMIM 174900.
Juvenile polyposis/hereditary hemorrhagic telangiectasia syndrome (JPHT). Also called: Juvenile Polyposis Syndrome / Hereditary Hemorrhagic Telangiectasia (JPS/HHT); JP/HHT SYNDROME; JUVENILE POLYPOSIS WITH HEREDITARY HEMORRHAGIC TELANGIECTASIA; POLYPOSIS, GENERALIZED JUVENILE, WITH PULMONARY ARTERIOVENOUS MALFORMATION; TELANGIECTASIA, HEREDITARY HEMORRHAGIC, WITH JUVENILE POLYPOSIS COLI. Identifiers: Orphanet 2929, MedGen C1832942, MONDO:0008278, OMIM 175050.

Submissions (4):

Labcorp Genetics (formerly Invitae), Labcorp
Classification: Likely benign for Juvenile polyposis syndrome. Last evaluated: 2025-04-03. Review status: criteria provided, single submitter. Criteria: Invitae Variant Classification Sherloc (09022015). Collection method: clinical testing. Allele origin: germline.

Myriad Genetics, Inc.
Classification: Benign for Juvenile polyposis/hereditary hemorrhagic telangiectasia syndrome. Last evaluated: 2025-03-19. Review status: criteria provided, single submitter. Criteria: Myriad Autosomal Dominant, Autosomal Recessive and X-Linked Classification Criteria (2023). Collection method: clinical testing. Allele origin: unknown.
Comment: This variant is considered benign. This variant is a silent/synonymous amino acid change and it is not expected to impact splicing.

Ambry Genetics
Classification: Likely benign for Hereditary cancer-predisposing syndrome; Familial thoracic aortic aneurysm and aortic dissection. Last evaluated: 2025-02-21. Review status: criteria provided, single submitter. Criteria: Ambry Variant Classification Scheme 2023. Collection method: clinical testing. Allele origin: germline.

CeGaT Center for Human Genetics Tuebingen
Classification: Likely benign. Last evaluated: 2023-12-01. Review status: criteria provided, single submitter. Criteria: CeGaT Center For Human Genetics Tuebingen Variant Classification Criteria Version 2. Collection method: clinical testing. Allele origin: germline. Affected: yes. Observed: 1 variant allele.
Comment: SMAD4: PM2:Supporting, BP4, BP7